The following is an entry in ClinVar:

NM_001848.3(COL6A1):c.2642C>T (p.Thr881Met)

Gene: COL6A1 (collagen type VI alpha 1 chain; plus strand). Cytogenetic location: 21q22.3.
Variant type: single nucleotide variant.
Coding change: c.2642C>T on transcript NM_001848.3 (MANE Select); coding-DNA position 2642, C replaced by T.
Protein change: p.Thr881Met; replaces threonine 881 with methionine.
Molecular consequence: missense variant.
Genome position (GRCh38, 1-based): chr21:46,003,568, C>T. VCF-style: chr21-46003568-C-T. GRCh37 (hg19) VCF-style: chr21-47423482-C-T.
Identifiers: ClinVar variation 93863 (VCV000093863.63), dbSNP rs150432347, ClinGen allele CA221780.

ClinVar aggregate classification (germline): Benign/Likely benign. Review status: criteria provided, multiple submitters, no conflicts (2 of 4 stars). 10 submissions from 10 submitters: Benign (1); Likely benign (9). Last evaluated 2026-08-01.

Conditions:
Collagen 6-related myopathy. Identifiers: MedGen CN117976, MONDO:0100225.
Bethlem myopathy 1A. Also called: MYOPATHY, BENIGN CONGENITAL, WITH CONTRACTURES; Bethlem myopathy 1; Bethlem Muscular Dystrophy. Identifiers: Orphanet 610, MedGen CN029274, MONDO:0024530, OMIM 158810.

Allele frequency attached by ClinVar (database versions not stated): 1000 Genomes Project 30x 0.00078; TOPMed 0.00093; ESP Exome Variant Server 0.00100; gnomAD 0.00081 and 0.00080; gnomAD exomes 0.00070 and 0.00155; ExAC 0.00072; 1000 Genomes Project 0.00080.
gnomAD v4.1: 2,379 of 1,612,642 alleles (0.15%); highest among the groups gnomAD compares: Non-Finnish European, 0.19%; 6 homozygotes.

Submissions (10):

CeGaT Center for Human Genetics Tuebingen
Classification: Likely benign. Last evaluated: 2026-08-01. Review status: criteria provided, single submitter. Criteria: CeGaT Center For Human Genetics Tuebingen Variant Classification Criteria Version 2. Collection method: clinical testing. Allele origin: germline. Affected: yes. Observed: 7 variant alleles.
Comment: COL6A1: BS2

Labcorp Genetics (formerly Invitae), Labcorp
Classification: Likely benign for Bethlem myopathy 1A. Last evaluated: 2026-01-18. Review status: criteria provided, single submitter. Criteria: Invitae Variant Classification Sherloc (09022015). Collection method: clinical testing. Allele origin: germline.

Laboratory of Genetics, Children's Clinical University Hospital Latvia
Classification: Likely benign. Last evaluated: 2025-02-16. Review status: criteria provided, single submitter. Criteria: ACMG Guidelines, 2015. Collection method: clinical testing. Allele origin: germline. Affected: yes.

Blueprint Genetics
Classification: Likely benign. Last evaluated: 2024-11-07. Review status: criteria provided, single submitter. Criteria: ACMG Guidelines, 2015. Collection method: clinical testing. Allele origin: germline.

ARUP Laboratories, Molecular Genetics and Genomics, ARUP Laboratories
Classification: Likely benign. Last evaluated: 2024-10-17. Review status: criteria provided, single submitter. Criteria: ARUP Molecular Germline Variant Investigation Process 2024. Collection method: clinical testing. Allele origin: germline.

Women's Health and Genetics/Laboratory Corporation of America, LabCorp
Classification: Likely benign. Last evaluated: 2024-05-01. Review status: criteria provided, single submitter. Criteria: LabCorp Variant Classification Summary - May 2015. Collection method: clinical testing. Allele origin: germline.

GeneDx
Classification: Likely benign. Last evaluated: 2021-05-24. Review status: criteria provided, single submitter. Criteria: GeneDx Variant Classification Process June 2021. Collection method: clinical testing. Allele origin: germline. Affected: yes.
Comment: This variant is associated with the following publications: (PMID: 30564623, 15689448)

Illumina Laboratory Services, Illumina
Classification: Benign for Collagen VI-related myopathy. Last evaluated: 2018-01-13. Review status: criteria provided, single submitter. Criteria: ICSL Variant Classification Criteria 13 December 2019. Collection method: clinical testing. Allele origin: germline.
Comment: This variant was observed in the ICSL laboratory as part of a predisposition screen in an ostensibly healthy population. It had not been previously curated by ICSL or reported in the Human Gene Mutation Database (HGMD: prior to June 1st, 2018), and was therefore a candidate for classification through an automated scoring system. Utilizing variant allele frequency, disease prevalence and penetrance estimates, and inheritance mode, an automated score was calculated to assess if this variant is too frequent to cause the disease. Based on the score and internal cut-off values, a variant classified as benign is not then subjected to further curation. The score for this variant resulted in a classification of benign for this disease.

Eurofins Ntd Llc (ga)
Classification: Likely benign. Last evaluated: 2016-10-26. Review status: criteria provided, single submitter. Criteria: EGL Classification Definitions 2015. Collection method: clinical testing. Allele origin: germline. Observed: 20 variant alleles, 20 heterozygotes.

PreventionGenetics, part of Exact Sciences
Classification: Likely benign. Review status: criteria provided, single submitter. Criteria: ACMG Guidelines, 2015. Collection method: clinical testing. Allele origin: germline.